The following is an entry in ClinVar:

ClinVar aggregate classification (germline): Uncertain significance (1 of 4 stars; one submission).

Submission:

Labcorp Genetics (formerly Invitae), Labcorp
Classification: Uncertain significance. Last evaluated: 2024-03-21. Review status: criteria provided, single submitter. Criteria: Invitae Variant Classification Sherloc (09022015). Collection method: clinical testing. Allele origin: germline.
Comment: This sequence change replaces valine, which is neutral and non-polar, with alanine, which is neutral and non-polar, at codon 805 of the MYLK3 protein (p.Val805Ala). This variant is not present in population databases (gnomAD no frequency). This variant has not been reported in the literature in individuals affected with MYLK3-related conditions. Algorithms developed to predict the effect of missense changes on protein structure and function output the following: SIFT: "Not Available"; PolyPhen-2: "Benign"; Align-GVGD: "Not Available". The alanine amino acid residue is found in multiple mammalian species, which suggests that this missense change does not adversely affect protein function. In summary, the available evidence is currently insufficient to determine the role of this variant in disease. Therefore, it has been classified as a Variant of Uncertain Significance.

NM_182493.3(MYLK3):c.2414T>C (p.Val805Ala)

Gene: MYLK3 (myosin light chain kinase 3; minus strand). Cytogenetic location: 16q11.2.
Variant type: single nucleotide variant.
Coding change: c.2414T>C on transcript NM_182493.3 (MANE Select); coding-DNA position 2414, T replaced by C.
Protein change: p.Val805Ala; replaces valine 805 with alanine.
Molecular consequence: missense variant.
Genome position (GRCh38, 1-based): chr16:46,707,750, A>G on the plus strand (T>C on the coding strand, the complement: MYLK3 is on the minus strand). VCF-style: chr16-46707750-A-G. GRCh37 (hg19) VCF-style: chr16-46741662-A-G.
Other names: c.1391T>C, p.Val464Ala (NM_001308301.1); short protein forms V464A, V805A.
Identifiers: ClinVar variation 3647155 (VCV003647155.2).
Genomic context (GRCh38, chr16:46,707,750, plus strand): 5'-AGCAGAGTTGAAGATTAGGGAGAAGTTGGAAATTTCCTTAACCTGTTGGCAGCAGTCACC[A>G]CATAGAAATGTTTCTTGAGGCAAGGAGAGAATAAAAGAAAAGAAAAAGCATGTATTTTAG-3'
Protein context (NP_872299.2, residues 795-815): AQRKWKKHFY[Val805Ala]VTAANRLRKF